The following is an entry in ClinVar:

NM_001371623.1(TCOF1):c.2024C>T (p.Pro675Leu)

Gene: TCOF1 (treacle ribosome biogenesis factor 1; plus strand). Cytogenetic location: 5q32.
Variant type: single nucleotide variant.
Coding change: c.2024C>T on transcript NM_001371623.1 (MANE Select); coding-DNA position 2024, C replaced by T.
Protein change: p.Pro675Leu; replaces proline 675 with leucine.
Molecular consequence: missense variant.
Genome position (GRCh38, 1-based): chr5:150,376,212, C>T. VCF-style: chr5-150376212-C-T. GRCh37 (hg19) VCF-style: chr5-149755775-C-T.
Other names: c.1793C>T, p.Pro598Leu (NM_000356.4, NM_001135245.2); c.2024C>T, p.Pro675Leu (NM_001008657.3, NM_001135243.2, NM_001135244.2 and 1 more transcripts); short protein forms P598L, P675L.
Identifiers: ClinVar variation 1306551 (VCV001306551.4), dbSNP rs917891985, ClinGen allele CA129136650.

ClinVar aggregate classification (germline): Uncertain significance. Review status: criteria provided, multiple submitters, no conflicts (2 of 4 stars). 2 submissions from 2 submitters: Uncertain significance (2). Last evaluated 2022-12-21.

Conditions:
Inborn genetic diseases. Identifiers: MedGen C0950123, MeSH D030342.

Allele frequency attached by ClinVar (database versions not stated): gnomAD 0.00001; TOPMed 0.00001.
gnomAD v4.1: 1 of 1,614,102 alleles (0.000062%); highest among the groups gnomAD compares: African/African-American, 0.0013%; no homozygotes.

Submissions (2):

Ambry Genetics
Classification: Uncertain significance for Inborn genetic diseases. Last evaluated: 2022-12-21. Review status: criteria provided, single submitter. Criteria: Ambry Variant Classification Scheme 2023. Collection method: clinical testing. Allele origin: germline.

GeneDx
Classification: Uncertain significance. Last evaluated: 2019-06-26. Review status: criteria provided, single submitter. Criteria: GeneDx Variant Classification Process June 2021. Collection method: clinical testing. Allele origin: germline. Affected: yes.
Comment: Not observed in large population cohorts (Lek et al., 2016); In silico analysis, which includes protein predictors and evolutionary conservation, supports a deleterious effect; Has not been previously published as pathogenic or benign to our knowledge